The following is an entry in ClinVar:

NM_000038.6(APC):c.7308_7309del (p.Leu2437fs)

Gene: APC (APC regulator of Wnt signaling pathway; plus strand). Cytogenetic location: 5q22.2.
Variant type: Deletion.
Coding change: c.7308_7309del on transcript NM_000038.6 (MANE Select); coding-DNA positions 7308 to 7309, 2 bases deleted (AT; older notation c.7308_7309delAT).
Protein change: p.Leu2437fs; shifts the reading frame from leucine 2437.
Molecular consequence: frameshift variant. On other transcripts: non-coding transcript variant (2).
Genome position (GRCh38, 1-based): chr5:112,842,902-112,842,903, AT deleted; deleting any 2 consecutive bases within chr5:112,842,901-112,842,903 gives the same sequence; the c. name uses the placement nearest the transcript's 3' end. VCF-style (leftmost placement, unchanged base first): chr5-112842900-GTA-G. GRCh37 (hg19) VCF-style: chr5-112178597-GTA-G.
Other names: c.7308_7309del, p.Leu2437fs (NM_001127510.3, NM_001354895.2, NM_001407450.1); c.7254_7255del, p.Leu2419fs (NM_001127511.3); c.7362_7363del, p.Leu2455fs (NM_001354896.2, NM_001407447.1, NM_001407448.1 and 1 more transcripts); c.7338_7339del, p.Leu2447fs (NM_001354897.2); c.7233_7234del, p.Leu2412fs (NM_001354898.2); c.7224_7225del, p.Leu2409fs (NM_001354899.2); c.7185_7186del, p.Leu2396fs (NM_001354900.2); c.7131_7132del, p.Leu2378fs (NM_001354901.2, NM_001407453.1); and 11 more; short protein forms L2412fs, L2427fs, L2277fs, L2308fs, L2336fs, L2346fs, L2396fs, L2437fs.
Identifiers: ClinVar variation 4590693 (VCV004590693.1).

ClinVar aggregate classification (germline): Likely pathogenic (1 of 4 stars; one submission).

Conditions:
Hereditary cancer-predisposing syndrome. Also called: Neoplastic Syndromes, Hereditary; Tumor predisposition; Hereditary Cancer Syndrome; Hereditary neoplastic syndrome. Identifiers: Orphanet 140162, MedGen C0027672, MeSH D009386, MONDO:0015356.

Submission:

Ambry Genetics
Classification: Likely pathogenic for Hereditary cancer-predisposing syndrome. Last evaluated: 2025-11-17. Review status: criteria provided, single submitter. Criteria: Ambry Variant Classification Scheme 2023. Collection method: clinical testing. Allele origin: germline.
Comment: The c.7308_7309delAT variant, located in coding exon 15 of the APC gene, results from a deletion of two nucleotides at nucleotide positions 7308 to 7309, causing a translational frameshift with a predicted alternate stop codon (p.L2437Sfs*26). This alteration occurs at the 3' terminus of the gene, is not expected to trigger nonsense-mediated mRNA decay, and impacts the last 13% of the protein. However, premature stop codons are typically deleterious in nature and a significant portion of the protein is affected (Ambry internal data). This variant is considered to be rare based on population cohorts in the Genome Aggregation Database (gnomAD). Based on the majority of available evidence to date, this variant is likely to be pathogenic.